The following is an entry in ClinVar:

NM_024685.4(BBS10):c.456C>G (p.His152Gln)

Gene: BBS10 (Bardet-Biedl syndrome 10; minus strand). Cytogenetic location: 12q21.2.
Variant type: single nucleotide variant.
Coding change: c.456C>G on transcript NM_024685.4 (MANE Select); coding-DNA position 456, C replaced by G.
Protein change: p.His152Gln; replaces histidine 152 with glutamine.
Molecular consequence: missense variant.
Genome position (GRCh38, 1-based): chr12:76,347,529, G>C on the plus strand (C>G on the coding strand, the complement: BBS10 is on the minus strand). VCF-style: chr12-76347529-G-C. GRCh37 (hg19) VCF-style: chr12-76741309-G-C.
Other names: short protein forms H152Q.
Identifiers: ClinVar variation 4992884 (VCV004992884.1).

ClinVar aggregate classification (germline): Uncertain significance (1 of 4 stars; one submission).

Conditions:
BBS10-related disorder. Also called: BBS10-related condition.

Submission:

PreventionGenetics, part of Exact Sciences
Classification: Uncertain significance for BBS10-related condition. Last evaluated: 2025-09-22. Review status: criteria provided, single submitter. Criteria: ACMG Guidelines, 2015. Collection method: clinical testing. Allele origin: germline.
Comment: The BBS10 c.456C>G variant is predicted to result in the amino acid substitution p.His152Gln. To our knowledge, this variant has not been reported in the literature or in a large population database (gnomAD), indicating this variant is rare. At this time, the clinical significance of this variant is uncertain due to the absence of conclusive functional and genetic evidence.